The following is an entry in ClinVar:

NM_013339.4(ALG6):c.236A>T (p.His79Leu)

Gene: ALG6 (ALG6 alpha-1,3-glucosyltransferase; plus strand). Cytogenetic location: 1p31.3.
Variant type: single nucleotide variant.
Coding change: c.236A>T on transcript NM_013339.4 (MANE Select); coding-DNA position 236, A replaced by T.
Protein change: p.His79Leu; replaces histidine 79 with leucine.
Molecular consequence: missense variant.
Genome position (GRCh38, 1-based): chr1:63,402,322, A>T. VCF-style: chr1-63402322-A-T. GRCh37 (hg19) VCF-style: chr1-63867993-A-T.
Other names: short protein forms H79L.
Identifiers: ClinVar variation 2086624 (VCV002086624.4), dbSNP rs1644468789, ClinGen allele CA340634193.

ClinVar aggregate classification (germline): Uncertain significance (1 of 4 stars; one submission).

Conditions:
ALG6-congenital disorder of glycosylation 1C (CDG1C). Also called: CDG Ic; CARBOHYDRATE-DEFICIENT GLYCOPROTEIN SYNDROME, TYPE I, WITH DEFICIENT GLYCOSYLATION OF DOLICHOL-LINKED OLIGOSACCHARIDE; CARBOHYDRATE-DEFICIENT GLYCOPROTEIN SYNDROME, TYPE V; Congenital disorder of glycosylation type 1C; Congenital disorder of glycosylation, type Ic. Identifiers: Orphanet 79320, MedGen C2930997, MONDO:0011291, OMIM 603147.

gnomAD v4.1: 2 of 1,610,216 alleles (0.00012%); highest among the groups gnomAD compares: Non-Finnish European, 0.00017%; no homozygotes.

Submission:

Labcorp Genetics (formerly Invitae), Labcorp
Classification: Uncertain significance for ALG6-congenital disorder of glycosylation 1C. Last evaluated: 2022-01-26. Review status: criteria provided, single submitter. Criteria: Invitae Variant Classification Sherloc (09022015). Collection method: clinical testing. Allele origin: germline.
Comment: This sequence change replaces histidine, which is basic and polar, with leucine, which is neutral and non-polar, at codon 79 of the ALG6 protein (p.His79Leu). This variant is not present in population databases (gnomAD no frequency). This variant has not been reported in the literature in individuals affected with ALG6-related conditions. Algorithms developed to predict the effect of missense changes on protein structure and function (SIFT, PolyPhen-2, Align-GVGD) all suggest that this variant is likely to be disruptive. In summary, the available evidence is currently insufficient to determine the role of this variant in disease. Therefore, it has been classified as a Variant of Uncertain Significance.